The following is an entry in ClinVar:

ClinVar aggregate classification (germline): Uncertain significance (1 of 4 stars; one submission).

Allele frequency attached by ClinVar (database versions not stated): gnomAD exomes below 0.00001; TOPMed below 0.00001; gnomAD 0.00001.
gnomAD v4.1: 5 of 1,609,078 alleles (0.00031%); highest among the groups gnomAD compares: African/African-American, 0.0013%; no homozygotes.

Submission:

Labcorp Genetics (formerly Invitae), Labcorp
Classification: Uncertain significance. Last evaluated: 2022-01-16. Review status: criteria provided, single submitter. Criteria: Invitae Variant Classification Sherloc (09022015). Collection method: clinical testing. Allele origin: germline.
Comment: This sequence change replaces serine, which is neutral and polar, with proline, which is neutral and non-polar, at codon 486 of the VPS33A protein (p.Ser486Pro). This variant is not present in population databases (gnomAD no frequency). This variant has not been reported in the literature in individuals affected with VPS33A-related conditions. Algorithms developed to predict the effect of missense changes on protein structure and function are either unavailable or do not agree on the potential impact of this missense change (SIFT: "Deleterious"; PolyPhen-2: "Benign"; Align-GVGD: "Class C0"). In summary, the available evidence is currently insufficient to determine the role of this variant in disease. Therefore, it has been classified as a Variant of Uncertain Significance.

NM_022916.6(VPS33A):c.1456T>C (p.Ser486Pro)

Gene: VPS33A (VPS33A core subunit of CORVET and HOPS complexes; minus strand). Cytogenetic location: 12q24.31.
Variant type: single nucleotide variant.
Coding change: c.1456T>C on transcript NM_022916.6 (MANE Select); coding-DNA position 1456, T replaced by C.
Protein change: p.Ser486Pro; replaces serine 486 with proline.
Molecular consequence: missense variant.
Genome position (GRCh38, 1-based): chr12:122,232,953, A>G on the plus strand (T>C on the coding strand, the complement: VPS33A is on the minus strand). VCF-style: chr12-122232953-A-G. GRCh37 (hg19) VCF-style: chr12-122717500-A-G.
Other names: c.1423T>C, p.Ser475Pro (NM_001351018.2); c.1408T>C, p.Ser470Pro (NM_001351019.2); c.1135T>C, p.Ser379Pro (NM_001351020.2); short protein forms S470P, S486P, S475P, S379P.
Identifiers: ClinVar variation 2085278 (VCV002085278.4), dbSNP rs1954584104, ClinGen allele CA387049647.